The following is an entry in ClinVar:

NM_000284.4(PDHA1):c.1144_1147dup (p.Trp383fs)

Gene: PDHA1 (pyruvate dehydrogenase E1 subunit alpha 1; plus strand). Cytogenetic location: Xp22.12.
Variant type: Duplication.
Coding change: c.1144_1147dup on transcript NM_000284.4 (MANE Select); coding-DNA positions 1144 to 1147, 4 bases duplicated (CAGT; older notation c.1144_1147dupCAGT).
Protein change: p.Trp383fs; shifts the reading frame from tryptophan 383.
Molecular consequence: frameshift variant.
Genome position (GRCh38, 1-based): chrX:19,359,624-19,359,627, CAGT duplicated; duplicating any 4 consecutive bases within chrX:19,359,623-19,359,627 gives the same sequence; the c. name uses the placement nearest the transcript's 3' end. VCF-style (leftmost placement, unchanged base first): chrX-19359622-A-ATCAG. GRCh37 (hg19) VCF-style: chrX-19377740-A-ATCAG.
Other names: c.1258_1261dup, p.Trp421fs (NM_001173454.2); c.1165_1168dup, p.Trp390fs (NM_001173455.2); c.1051_1054dup, p.Trp352fs (NM_001173456.2); short protein forms W352fs, W383fs, W390fs, W421fs.
Identifiers: ClinVar variation 4070474 (VCV004070474.1).

ClinVar aggregate classification (germline): Pathogenic (0 of 4 stars; one submission).

Conditions:
Pyruvate dehydrogenase E1-alpha deficiency (PDHAD). Also called: ATAXIA, INTERMITTENT, WITH PYRUVATE DEHYDROGENASE DEFICIENCY; ATAXIA WITH LACTIC ACIDOSIS I; ATAXIA, INTERMITTENT, WITH ABNORMAL PYRUVATE METABOLISM; Ataxia, intermittent, with pyruvate dehydrogenase, or decarboxylase, deficiency. Identifiers: Orphanet 79243, MedGen C1839413, MONDO:0010717, OMIM 312170.

Submission:

PDHA1 Study Group, University Children’s Hospital, Paracelsus Medical University
Classification: Pathogenic for Pyruvate dehydrogenase E1-alpha deficiency. Last evaluated: 2024-10-15. Review status: no assertion criteria provided. Collection method: research. Allele origin: de novo. Affected: yes. Observed: 1 variant allele.
Comment: The NM_000284.3:c.1144_1147dup (p.Trp383SerfsTer6) change is a frameshift variant in PDHA1 gene. This variant is predicted to escape nonsense-mediated decay (NMD). Among them, 1 case had confirmed de novo occurrence. Last literature search: July 12, 2024. This variant is absent or extremely rare in population-based cohorts in the Genome Aggregation Database (gnomAD). Individuals harboring this variant presented with clinical features compatible with PDHA1-related PDHc deficiency. In summary, this variant meets criteria to be classified as pathogenic (P) for PDHA1-related PDHc deficiency based on the ACMG/AMP criteria applied: PVS1, PS2, PM2 (last assessment October 15, 2024).

Literature cited by the submitters: DOI 10.1093/brain/awaf430.